The following is an entry in ClinVar:

NM_000587.4(C7):c.1749+2T>C

Gene: C7 (complement C7; plus strand). Cytogenetic location: 5p13.1.
Variant type: single nucleotide variant.
Coding change: c.1749+2T>C on transcript NM_000587.4 (MANE Select); the canonical splice donor site of the intron after coding-DNA position 1749, T replaced by C.
Molecular consequence: splice donor variant.
Genome position (GRCh38, 1-based): chr5:40,962,174, T>C. VCF-style: chr5-40962174-T-C. GRCh37 (hg19) VCF-style: chr5-40962276-T-C.
Identifiers: ClinVar variation 1520241 (VCV001520241.6), dbSNP rs1740436185, ClinGen allele CA359589883.
Genomic context (GRCh38, chr5:40,962,174, plus strand): 5'-CTTTGGTTCCAACAGAATTCTGTCCATCACCTCCTGCCTTGAAAGATGGATTTGTTCAAG[T>C]TGGTTATGAAAGATATTTTTTTCCTTTATAATGCTCTAACTTCTATCTCTCTGCTGAGCC-3'

ClinVar aggregate classification (germline): Likely pathogenic (1 of 4 stars; one submission).

Allele frequency attached by ClinVar (database versions not stated): TOPMed 0.00001.

Submission:

Labcorp Genetics (formerly Invitae), Labcorp
Classification: Likely pathogenic. Last evaluated: 2025-03-18. Review status: criteria provided, single submitter. Criteria: Invitae Variant Classification Sherloc (09022015). Collection method: clinical testing. Allele origin: germline.
Comment: This sequence change affects a donor splice site in intron 13 of the C7 gene. It is expected to disrupt RNA splicing. Variants that disrupt the donor or acceptor splice site typically lead to a loss of protein function (PMID: 16199547), and loss-of-function variants in C7 are known to be pathogenic (PMID: 9856499, 17407100). This variant is not present in population databases (gnomAD no frequency). This variant has not been reported in the literature in individuals affected with C7-related conditions. ClinVar contains an entry for this variant (Variation ID: 1520241). Algorithms developed to predict the effect of sequence changes on RNA splicing suggest that this variant may disrupt the consensus splice site. In summary, the currently available evidence indicates that the variant is pathogenic, but additional data are needed to prove that conclusively. Therefore, this variant has been classified as Likely Pathogenic.

Literature cited by the submitters: PubMed 16199547; PubMed 9856499; PubMed 17407100.